The following is an entry in ClinVar:

ClinVar aggregate classification (germline): Uncertain significance (1 of 4 stars; one submission).

Conditions:
Renal cell carcinoma. Identifiers: Orphanet 217071, MedGen C0007134, MeSH D002292, MONDO:0005086, HP:0005584.

Submission:

Labcorp Genetics (formerly Invitae), Labcorp
Classification: Uncertain significance for Renal cell carcinoma. Last evaluated: 2022-07-06. Review status: criteria provided, single submitter. Criteria: Invitae Variant Classification Sherloc (09022015). Collection method: clinical testing. Allele origin: germline.
Comment: In summary, the available evidence is currently insufficient to determine the role of this variant in disease. Therefore, it has been classified as a Variant of Uncertain Significance. Algorithms developed to predict the effect of missense changes on protein structure and function are either unavailable or do not agree on the potential impact of this missense change (SIFT: "Deleterious"; PolyPhen-2: "Probably Damaging"; Align-GVGD: "Class C0"). ClinVar contains an entry for this variant (Variation ID: 1041405). This variant has not been reported in the literature in individuals affected with MET-related conditions. This variant is not present in population databases (gnomAD no frequency). This sequence change replaces isoleucine, which is neutral and non-polar, with methionine, which is neutral and non-polar, at codon 659 of the MET protein (p.Ile659Met).

NM_000245.4(MET):c.1977A>G (p.Ile659Met)

Gene: MET (MET proto-oncogene, receptor tyrosine kinase; plus strand). Cytogenetic location: 7q31.2.
Variant type: single nucleotide variant.
Coding change: c.1977A>G on transcript NM_000245.4 (MANE Select); coding-DNA position 1977, A replaced by G.
Protein change: p.Ile659Met; replaces isoleucine 659 with methionine.
Molecular consequence: missense variant.
Genome position (GRCh38, 1-based): chr7:116,757,649, A>G. VCF-style: chr7-116757649-A-G. GRCh37 (hg19) VCF-style: chr7-116397703-A-G.
Other names: c.1977A>G, p.Ile659Met (NM_001127500.3, NM_001324401.3); c.687A>G, p.Ile229Met (NM_001324402.2); short protein forms I229M, I659M.
Identifiers: ClinVar variation 1041405 (VCV001041405.8), dbSNP rs1794236479, ClinGen allele CA368979617.